The following is an entry in ClinVar:

ClinVar aggregate classification (germline): Uncertain significance (0 of 4 stars; one submission).

Allele frequency attached by ClinVar (database versions not stated): gnomAD exomes below 0.00001; gnomAD 0.00001.

Submission:

Department of Pathology and Laboratory Medicine, Sinai Health System
Classification: Uncertain significance. Review status: no assertion criteria provided. Collection method: clinical testing. Allele origin: unknown. Affected: yes. Study: The Canadian Open Genetics Repository (COGR).
Comment: The RP1L1 p.Met1189Val variant was not identified in the literature nor was it identified in ClinVar, Cosmic or LOVD 3.0. The variant was identified in dbSNP (ID: rs1334046331) and in control databases in 1 of 31366 chromosomes at a frequency of 0.000032 (Genome Aggregation Database Feb 27, 2017). The variant was observed in the following population: East Asian in 1 of 1560 chromosomes (freq: 0.000641), while the variant was not observed in the African, Latino, Ashkenazi Jewish, European (Finnish), European (non-Finnish), Other and South Asian populations. The variant occurs outside of the splicing consensus sequence and in silico or computational prediction software programs (SpliceSiteFinder, MaxEntScan, NNSPLICE, GeneSplicer) do not predict a difference in splicing. The p.Met1189 residue is not conserved in mammals and computational analyses (PolyPhen-2, SIFT, AlignGVGD, BLOSUM, MutationTaster) do not suggest a high likelihood of impact to the protein; however, this information is not predictive enough to rule out pathogenicity. In summary, based on the above information the clinical significance of this variant cannot be determined with certainty at this time. This variant is classified as a variant of uncertain significance.

NM_178857.6(RP1L1):c.3565A>G (p.Met1189Val)

Gene: RP1L1 (RP1 like 1). Cytogenetic location: 8p23.1.
Variant type: single nucleotide variant.
Coding change: c.3565A>G on transcript NM_178857.6 (MANE Select); coding-DNA position 3565, A replaced by G.
Protein change: p.Met1189Val; replaces methionine 1189 with valine.
Molecular consequence: missense variant.
Genome position (GRCh38, 1-based): chr8:10,610,533, T>C on the plus strand (A>G on the coding strand, the complement: RP1L1 is on the minus strand). VCF-style: chr8-10610533-T-C. GRCh37 (hg19) VCF-style: chr8-10468043-T-C.
Other names: short protein forms M1189V.
Identifiers: ClinVar variation 1050155 (VCV001050155.1), dbSNP rs1334046331, ClinGen allele CA370288443.
Genomic context (GRCh38, chr8:10,610,533, plus strand): 5'-CTCCAGAGCCGCTGCTGATGTCCACACCAGAGGAGGATGTGGGCGTGAAGTTCTCCGTCA[T>C]GGCATGGGACCCAAGGTCTGGCAGAGCCTGGCTCCATGTGAGCTCCCAGAGGCCTGAGTC-3'
Protein context (NP_849188.4, residues 1179-1199): QALPDLGSHA[Met1189Val]TENFTPTSSS